The following is an entry in ClinVar:

NM_001365088.1(SLC12A6):c.2509_2510insTC (p.Glu837fs)

Genes: SLC12A6 (solute carrier family 12 member 6; minus strand), LOC126862097 (P300/CBP strongly-dependent group 1 enhancer GRCh37_chr15:34531007-34532206; plus strand). Cytogenetic location: 15q14.
Variant type: Insertion.
Coding change: c.2509_2510insTC on transcript NM_001365088.1 (MANE Select); coding-DNA positions 2509 to 2510, TC inserted.
Protein change: p.Glu837fs; shifts the reading frame from glutamic acid 837.
Molecular consequence: frameshift variant.
Genome position: GRCh38 VCF-style: chr15-34239087-T-TGA. GRCh37 (hg19) VCF-style: chr15-34531288-T-TGA.
Other names: c.2332_2333insTC, p.Glu778fs (NM_001042494.2, NM_001042495.2); c.2482_2483insTC, p.Glu828fs (NM_001042496.2); c.2464_2465insTC, p.Glu822fs (NM_001042497.2); c.2356_2357insTC, p.Glu786fs (NM_005135.2); c.2509_2510insTC, p.Glu837fs (NM_133647.2); short protein forms E778fs, E786fs, E822fs, E828fs, E837fs.
Identifiers: ClinVar variation 1068924 (VCV001068924.9), dbSNP rs1184523433, ClinGen allele CA617554854.
Genomic context (GRCh38, chr15:34,239,087, plus strand): 5'-ACCACCGTGTTGTGCTTCATGCCCCCAAGGCCACATGACTGGATGAGGTGGGAAATGCCC[T>TGA]CTCTCAGCTTGGCGGCCACCACCAGCTGGCAGAATCCTTTTACCTTCTCTGCCTCCATTA-3'

ClinVar aggregate classification (germline): Pathogenic/Likely pathogenic. Review status: criteria provided, multiple submitters, no conflicts (2 of 4 stars). 2 submissions from 2 submitters: Pathogenic (1); Likely pathogenic (1). Last evaluated 2023-05-25.

Conditions:
Agenesis of the corpus callosum with peripheral neuropathy (ACCPN). Also called: POLYNEUROPATHY, SENSORIMOTOR, WITH OR WITHOUT AGENESIS OF THE CORPUS CALLOSUM; Hereditary Motor and Sensory Neuropathy with Agenesis of the Corpus Callosum; HMSN/ACC; CHARLEVOIX DISEASE. Identifiers: Orphanet 1496, MedGen C0795950, MONDO:0000902, OMIM 218000. Disease mechanism: loss of function.

Allele frequency attached by ClinVar (database versions not stated): TOPMed below 0.00001; gnomAD 0.00001.

Submissions (2):

Baylor Genetics
Classification: Likely pathogenic for Agenesis of the corpus callosum with peripheral neuropathy. Last evaluated: 2023-05-25. Review status: criteria provided, single submitter. Criteria: ACMG Guidelines, 2015. Collection method: clinical testing. Allele origin: unknown.

Labcorp Genetics (formerly Invitae), Labcorp
Classification: Pathogenic. Last evaluated: 2023-04-06. Review status: criteria provided, single submitter. Criteria: Invitae Variant Classification Sherloc (09022015). Collection method: clinical testing. Allele origin: germline.
Comment: This sequence change creates a premature translational stop signal (p.Glu837Valfs*16) in the SLC12A6 gene. It is expected to result in an absent or disrupted protein product. Loss-of-function variants in SLC12A6 are known to be pathogenic (PMID: 12368912, 16606917). This variant is present in population databases (no rsID available, gnomAD 0.002%). This variant has not been reported in the literature in individuals affected with SLC12A6-related conditions. ClinVar contains an entry for this variant (Variation ID: 1068924). For these reasons, this variant has been classified as Pathogenic.

Literature cited by the submitters: PubMed 12368912 (cited by Labcorp Genetics (formerly Invitae), Labcorp); PubMed 16606917 (cited by Labcorp Genetics (formerly Invitae), Labcorp).